The following is an entry in ClinVar:

ClinVar aggregate classification (germline): Uncertain significance (1 of 4 stars; one submission).

Conditions:
Charcot-Marie-Tooth disease axonal type 2O. Also called: CHARCOT-MARIE-TOOTH NEUROPATHY, AXONAL, TYPE 2O; CHARCOT-MARIE-TOOTH DISEASE, AXONAL, AUTOSOMAL DOMINANT, TYPE 2O; Charcot-Marie-Tooth Neuropathy Type 2O; Charcot-Marie-Tooth disease, axonal, type 20. Identifiers: Orphanet 284232, MedGen C3280220, MONDO:0013644, OMIM 614228.

Submission:

Labcorp Genetics (formerly Invitae), Labcorp
Classification: Uncertain significance for Charcot-Marie-Tooth disease axonal type 2O. Last evaluated: 2025-12-11. Review status: criteria provided, single submitter. Criteria: Invitae Variant Classification Sherloc (09022015). Collection method: clinical testing. Allele origin: germline.
Comment: This sequence change falls in intron 67 of the DYNC1H1 gene. It does not directly change the encoded amino acid sequence of the DYNC1H1 protein. This variant is not present in population databases (gnomAD no frequency). This variant has not been reported in the literature in individuals affected with DYNC1H1-related conditions. Algorithms developed to predict the effect of sequence changes on RNA splicing suggest that this variant may create or strengthen a splice site. In summary, the available evidence is currently insufficient to determine the role of this variant in disease. Therefore, it has been classified as a Variant of Uncertain Significance.

NM_001376.5(DYNC1H1):c.12276-11T>G

Gene: DYNC1H1 (dynein cytoplasmic 1 heavy chain 1; plus strand). Cytogenetic location: 14q32.31.
Variant type: single nucleotide variant.
Coding change: c.12276-11T>G on transcript NM_001376.5 (MANE Select); 11 bases into the intron before coding-DNA position 12276, T replaced by G.
Molecular consequence: intron variant.
Genome position (GRCh38, 1-based): chr14:102,042,373, T>G. VCF-style: chr14-102042373-T-G. GRCh37 (hg19) VCF-style: chr14-102508710-T-G.
Identifiers: ClinVar variation 4765655 (VCV004765655.1).